The following is an entry in ClinVar:

NM_001142864.4(PIEZO1):c.5283G>A (p.Arg1761=)

Gene: PIEZO1 (piezo type mechanosensitive ion channel component 1 (Er blood group); minus strand). Cytogenetic location: 16q24.3.
Variant type: single nucleotide variant.
Coding change: c.5283G>A on transcript NM_001142864.4 (MANE Select); coding-DNA position 5283, G replaced by A.
Protein change: p.Arg1761=; no amino-acid change (arginine 1761 retained).
Molecular consequence: synonymous variant.
Genome position (GRCh38, 1-based): chr16:88,721,658, C>T on the plus strand (G>A on the coding strand, the complement: PIEZO1 is on the minus strand). VCF-style: chr16-88721658-C-T. GRCh37 (hg19) VCF-style: chr16-88788066-C-T.
Identifiers: ClinVar variation 732056 (VCV000732056.8), dbSNP rs567925908, ClinGen allele CA8231918.

ClinVar aggregate classification (germline): Likely benign. Review status: criteria provided, multiple submitters, no conflicts (2 of 4 stars). 3 submissions from 3 submitters: Likely benign (2). 1 of the submissions does not count toward it. Last evaluated 2026-01-15.

Conditions:
PIEZO1-related disorder. Also called: PIEZO1-Related Disorders; PIEZO1-related condition.

Allele frequency attached by ClinVar (database versions not stated): gnomAD 0.00026 and 0.00038; ExAC 0.00032; gnomAD exomes 0.00062; TOPMed 0.00075; 1000 Genomes Project 0.00180; 1000 Genomes Project 30x 0.00250.
gnomAD v4.1: 298 of 1,550,104 alleles (0.019%); highest among the groups gnomAD compares: East Asian, 0.66%; 1 homozygote.

Submissions (3):

Labcorp Genetics (formerly Invitae), Labcorp
Classification: Likely benign. Last evaluated: 2026-01-15. Review status: criteria provided, single submitter. Criteria: Invitae Variant Classification Sherloc (09022015). Collection method: clinical testing. Allele origin: germline.

Blueprint Genetics
Classification: Likely benign. Last evaluated: 2024-02-14. Review status: criteria provided, single submitter. Criteria: ACMG Guidelines, 2015. Collection method: clinical testing. Allele origin: germline.

PreventionGenetics, part of Exact Sciences
Classification: Likely benign for PIEZO1-related condition. Last evaluated: 2019-04-12. Review status: no assertion criteria provided. Collection method: clinical testing. Allele origin: germline. Not counted in ClinVar's aggregate classification.
Comment: This variant is classified as likely benign based on ACMG/AMP sequence variant interpretation guidelines (Richards et al. 2015 PMID: 25741868, with internal and published modifications).